The following is an entry in ClinVar:

NM_004544.4(NDUFA10):c.1048A>C (p.Lys350Gln)

Gene: NDUFA10 (NADH:ubiquinone oxidoreductase subunit A10; minus strand). Cytogenetic location: 2q37.3.
Variant type: single nucleotide variant.
Coding change: c.1048A>C on transcript NM_004544.4 (MANE Select); coding-DNA position 1048, A replaced by C.
Protein change: p.Lys350Gln; replaces lysine 350 with glutamine.
Molecular consequence: missense variant. On other transcripts: synonymous variant (1), non-coding transcript variant (3).
Genome position (GRCh38, 1-based): chr2:239,961,138, T>G on the plus strand (A>C on the coding strand, the complement: NDUFA10 is on the minus strand). VCF-style: chr2-239961138-T-G. GRCh37 (hg19) VCF-style: chr2-240900555-T-G.
Other names: c.939A>C, p.Thr313= (NM_001322020.2); short protein forms K350Q.
Identifiers: ClinVar variation 4075498 (VCV004075498.1).

ClinVar aggregate classification (germline): Uncertain significance (1 of 4 stars; one submission).

gnomAD v4.1: 19 of 1,614,230 alleles (0.0012%); highest among the groups gnomAD compares: Non-Finnish European, 0.0015%; no homozygotes.

Submission:

GeneDx
Classification: Uncertain significance. Last evaluated: 2025-02-13. Review status: criteria provided, single submitter. Criteria: GeneDx Variant Classification Process June 2021. Collection method: clinical testing. Allele origin: germline. Affected: yes.
Comment: Not observed at significant frequency in large population cohorts (gnomAD); In silico analysis indicates that this missense variant does not alter protein structure/function; Has not been previously published as pathogenic or benign to our knowledge